The following is an entry in ClinVar:

ClinVar aggregate classification (germline): Uncertain significance. Review status: criteria provided, multiple submitters, no conflicts (2 of 4 stars). 2 submissions from 2 submitters: Uncertain significance (2). Last evaluated 2023-04-29.

Conditions:
Familial hypocalciuric hypercalcemia (FHH). Also called: Familial benign hypercalcemia. Identifiers: Orphanet 405, MedGen C1809471, MONDO:0018458.
Autosomal dominant hypocalcemia 1 (HYPOC1). Also called: HYPOCALCEMIA, FAMILIAL. Identifiers: MedGen C3715128, MONDO:0011013, OMIM 601198.
Nephrolithiasis/nephrocalcinosis. Identifiers: MedGen CN580796.

gnomAD v4.1: 1 of 1,614,160 alleles (0.000062%); highest among the groups gnomAD compares: Non-Finnish European, 0.000085%; no homozygotes.

Submissions (2):

Labcorp Genetics (formerly Invitae), Labcorp
Classification: Uncertain significance for Familial hypocalciuric hypercalcemia; Autosomal dominant hypocalcemia 1. Last evaluated: 2023-04-29. Review status: criteria provided, single submitter. Criteria: Invitae Variant Classification Sherloc (09022015). Collection method: clinical testing. Allele origin: germline.
Comment: In summary, the available evidence is currently insufficient to determine the role of this variant in disease. Therefore, it has been classified as a Variant of Uncertain Significance. An algorithm developed to predict the effect of missense changes on protein structure and function (PolyPhen-2) suggests that this variant is likely to be tolerated. ClinVar contains an entry for this variant (Variation ID: 2451466). This variant has not been reported in the literature in individuals affected with CASR-related conditions. This variant is not present in population databases (gnomAD no frequency). This sequence change replaces aspartic acid, which is acidic and polar, with tyrosine, which is neutral and polar, at codon 382 of the CASR protein (p.Asp382Tyr).

Ambry Genetics
Classification: Uncertain significance for Nephrolithiasis/nephrocalcinosis. Last evaluated: 2023-01-29. Review status: criteria provided, single submitter. Criteria: Ambry Variant Classification Scheme 2023. Collection method: clinical testing. Allele origin: germline.
Comment: The p.D382Y variant (also known as c.1144G>T), located in coding exon 3 of the CASR gene, results from a G to T substitution at nucleotide position 1144. The aspartic acid at codon 382 is replaced by tyrosine, an amino acid with highly dissimilar properties. This amino acid position is conserved. In addition, this alteration is predicted to be tolerated by in silico analysis. Since supporting evidence is limited at this time, the clinical significance of this alteration remains unclear.

NM_000388.4(CASR):c.1144G>T (p.Asp382Tyr)

Gene: CASR (calcium sensing receptor; plus strand). Cytogenetic location: 3q21.1.
Variant type: single nucleotide variant.
Coding change: c.1144G>T on transcript NM_000388.4 (MANE Select); coding-DNA position 1144, G replaced by T.
Protein change: p.Asp382Tyr; replaces aspartic acid 382 with tyrosine.
Molecular consequence: missense variant.
Genome position (GRCh38, 1-based): chr3:122,262,179, G>T. VCF-style: chr3-122262179-G-T. GRCh37 (hg19) VCF-style: chr3-121981026-G-T.
Other names: c.1144G>T, p.Asp382Tyr (NM_001178065.2); short protein forms D382Y.
Identifiers: ClinVar variation 2451466 (VCV002451466.5), dbSNP rs199980578, ClinGen allele CA354152684.
Genomic context (GRCh38, chr3:122,262,179, plus strand): 5'-GAAGGTGCAAAAGGACCTTTACCTGTGGACACCTTTCTGAGAGGTCACGAAGAAAGTGGC[G>T]ACAGGTTTAGCAACAGCTCGACAGCCTTCCGACCCCTCTGTACAGGGGATGAGAACATCA-3'
Protein context (NP_000379.3, residues 372-392): TFLRGHEESG[Asp382Tyr]RFSNSSTAFR